The following is an entry in ClinVar:

ClinVar aggregate classification (germline): Benign/Likely benign. Review status: criteria provided, multiple submitters, no conflicts (2 of 4 stars). 8 submissions from 8 submitters: Benign (1); Likely benign (6). 1 of the submissions does not count toward it. Last evaluated 2026-01-04.

Conditions:
PALB2-related disorder. Also called: PALB2-related condition; PALB2-related disorders.
Hereditary cancer-predisposing syndrome. Also called: Neoplastic Syndromes, Hereditary; Tumor predisposition; Hereditary Cancer Syndrome; Hereditary neoplastic syndrome. Identifiers: Orphanet 140162, MedGen C0027672, MeSH D009386, MONDO:0015356.
Familial cancer of breast. Also called: BREAST CANCER, FAMILIAL; Hereditary breast cancer; hereditary breast carcinoma. Identifiers: Orphanet 227535, MedGen C0346153, MONDO:0016419, OMIM 114480. Disease mechanism: loss of function.

Allele frequency attached by ClinVar (database versions not stated): ExAC 0.00002; gnomAD exomes 0.00002 and 0.00004; TOPMed 0.00002.

Submissions (8):

Labcorp Genetics (formerly Invitae), Labcorp
Classification: Likely benign for Familial cancer of breast. Last evaluated: 2026-01-04. Review status: criteria provided, single submitter. Criteria: Invitae Variant Classification Sherloc (09022015). Collection method: clinical testing. Allele origin: germline.

ARUP Laboratories, Molecular Genetics and Genomics, ARUP Laboratories
Classification: Likely benign. Last evaluated: 2025-01-21. Review status: criteria provided, single submitter. Criteria: ARUP Molecular Germline Variant Investigation Process 2024. Collection method: clinical testing. Allele origin: germline.

Myriad Genetics, Inc.
Classification: Benign for Familial cancer of breast. Last evaluated: 2025-01-10. Review status: criteria provided, single submitter. Criteria: Myriad Autosomal Dominant, Autosomal Recessive and X-Linked Classification Criteria (2023). Collection method: clinical testing. Allele origin: unknown.
Comment: This variant is considered benign. This variant is a silent/synonymous amino acid change and it is not expected to impact splicing.

GeneDx
Classification: Likely benign. Last evaluated: 2020-07-24. Review status: criteria provided, single submitter. Criteria: GeneDx Variant Classification Process June 2021. Collection method: clinical testing. Allele origin: germline. Affected: yes.

Women's Health and Genetics/Laboratory Corporation of America, LabCorp
Classification: Likely benign. Last evaluated: 2019-08-29. Review status: criteria provided, single submitter. Criteria: LabCorp Variant Classification Summary - May 2015. Collection method: clinical testing. Allele origin: germline.

Color Diagnostics, LLC DBA Color Health
Classification: Likely benign for Hereditary cancer-predisposing syndrome. Last evaluated: 2017-09-11. Review status: criteria provided, single submitter. Criteria: ACMG Guidelines, 2015. Collection method: clinical testing. Allele origin: germline.

Ambry Genetics
Classification: Likely benign for Hereditary cancer-predisposing syndrome. Last evaluated: 2014-12-11. Review status: criteria provided, single submitter. Criteria: Ambry Variant Classification Scheme 2023. Collection method: clinical testing. Allele origin: germline.

PreventionGenetics, part of Exact Sciences
Classification: Likely benign for PALB2-related condition. Last evaluated: 2019-10-21. Review status: no assertion criteria provided. Collection method: clinical testing. Allele origin: germline. Not counted in ClinVar's aggregate classification.
Comment: This variant is classified as likely benign based on ACMG/AMP sequence variant interpretation guidelines (Richards et al. 2015 PMID: 25741868, with internal and published modifications).

NM_024675.4(PALB2):c.339A>C (p.Pro113=)

Gene: PALB2 (partner and localizer of BRCA2; minus strand). Cytogenetic location: 16p12.2.
Variant type: single nucleotide variant.
Coding change: c.339A>C on transcript NM_024675.4 (MANE Select); coding-DNA position 339, A replaced by C.
Protein change: p.Pro113=; no amino-acid change (proline 113 retained).
Molecular consequence: synonymous variant.
Genome position (GRCh38, 1-based): chr16:23,636,207, T>G on the plus strand (A>C on the coding strand, the complement: PALB2 is on the minus strand). VCF-style: chr16-23636207-T-G. GRCh37 (hg19) VCF-style: chr16-23647528-T-G.
Identifiers: ClinVar variation 187567 (VCV000187567.28), dbSNP rs376182266, ClinGen allele CA197975.